The following is an entry in ClinVar:

ClinVar aggregate classification (germline): Conflicting classifications of pathogenicity. Review status: criteria provided, conflicting classifications (1 of 4 stars). 3 submissions from 3 submitters: Uncertain significance (2); Likely benign (1). Last evaluated 2023-08-10.

Conditions:
Early-infantile DEE. Also called: Early infantile epileptic encephalopathy with suppression bursts; Early infantile epileptic encephalopathy; Ohtahara syndrome. Identifiers: Orphanet 1934, MedGen C0393706, MONDO:0800491.

Allele frequency attached by ClinVar (database versions not stated): gnomAD 0.00001.
gnomAD v4.1: 10 of 1,614,032 alleles (0.00062%); highest among the groups gnomAD compares: Middle Eastern, 0.016%; no homozygotes.

Submissions (3):

Labcorp Genetics (formerly Invitae), Labcorp
Classification: Likely benign for Early-infantile DEE. Last evaluated: 2023-08-10. Review status: criteria provided, single submitter. Criteria: Invitae Variant Classification Sherloc (09022015). Collection method: clinical testing. Allele origin: germline.

Revvity Omics, Revvity
Classification: Uncertain significance. Last evaluated: 2022-07-20. Review status: criteria provided, single submitter. Criteria: ACMG Guidelines, 2015. Collection method: clinical testing. Allele origin: germline.

GeneDx
Classification: Uncertain significance. Last evaluated: 2022-01-12. Review status: criteria provided, single submitter. Criteria: GeneDx Variant Classification Process June 2021. Collection method: clinical testing. Allele origin: germline. Affected: yes.
Comment: Not observed at significant frequency in large population cohorts (gnomAD); Missense variants in this gene are often considered pathogenic (HGMD); In silico analysis supports that this missense variant has a deleterious effect on protein structure/function; This substitution is predicted to be in the cytoplasmic loop between the first and second homologous domains; Has not been previously published as pathogenic or benign to our knowledge

NM_001165963.4(SCN1A):c.1838G>A (p.Arg613Gln)

Gene: SCN1A (sodium voltage-gated channel alpha subunit 1; minus strand). Cytogenetic location: 2q24.3.
Variant type: single nucleotide variant.
Coding change: c.1838G>A on transcript NM_001165963.4 (MANE Select); coding-DNA position 1838, G replaced by A.
Protein change: p.Arg613Gln; replaces arginine 613 with glutamine.
Molecular consequence: missense variant. On other transcripts: 5 prime UTR variant (1), non-coding transcript variant (1).
Genome position (GRCh38, 1-based): chr2:166,043,874, C>T on the plus strand (G>A on the coding strand, the complement: SCN1A is on the minus strand). VCF-style: chr2-166043874-C-T. GRCh37 (hg19) VCF-style: chr2-166900384-C-T.
Other names: c.1838G>A, p.Arg613Gln (NM_001165964.3, NM_001202435.3, NM_001353948.2 and 7 more transcripts); c.1835G>A, p.Arg612Gln (NM_001353954.2, NM_001353955.2, NM_001353960.2); c.-588G>A (NM_001353961.2); c.1838G>A (NM_001165963.3); short protein forms R612Q, R613Q.
Identifiers: ClinVar variation 1697000 (VCV001697000.9), dbSNP rs755323236, ClinGen allele CA1943241.